The following is an entry in ClinVar:

ClinVar aggregate classification (germline): Uncertain significance (1 of 4 stars; one submission).

Allele frequency attached by ClinVar (database versions not stated): ExAC 0.00001.
gnomAD v4.1: 49 of 1,613,992 alleles (0.003%); highest among the groups gnomAD compares: South Asian, 0.0088%; 1 homozygote.

Submission:

Labcorp Genetics (formerly Invitae), Labcorp
Classification: Uncertain significance. Last evaluated: 2023-10-03. Review status: criteria provided, single submitter. Criteria: Invitae Variant Classification Sherloc (09022015). Collection method: clinical testing. Allele origin: germline.
Comment: This sequence change replaces valine, which is neutral and non-polar, with isoleucine, which is neutral and non-polar, at codon 391 of the ARSG protein (p.Val391Ile). This variant is present in population databases (rs752293584, gnomAD 0.004%). This variant has not been reported in the literature in individuals affected with ARSG-related conditions. ClinVar contains an entry for this variant (Variation ID: 1063725). Advanced modeling of protein sequence and biophysical properties (such as structural, functional, and spatial information, amino acid conservation, physicochemical variation, residue mobility, and thermodynamic stability) performed at Invitae indicates that this missense variant is not expected to disrupt ARSG protein function. In summary, the available evidence is currently insufficient to determine the role of this variant in disease. Therefore, it has been classified as a Variant of Uncertain Significance.

NM_001267727.2(ARSG):c.1171G>A (p.Val391Ile)

Gene: ARSG (arylsulfatase G; plus strand). Cytogenetic location: 17q24.2.
Variant type: single nucleotide variant.
Coding change: c.1171G>A on transcript NM_001267727.2 (MANE Select); coding-DNA position 1171, G replaced by A.
Protein change: p.Val391Ile; replaces valine 391 with isoleucine.
Molecular consequence: missense variant.
Genome position (GRCh38, 1-based): chr17:68,395,152, G>A. VCF-style: chr17-68395152-G-A. GRCh37 (hg19) VCF-style: chr17-66391293-G-A.
Other names: c.1171G>A, p.Val391Ile (NM_001352899.2, NM_001352900.2, NM_001352901.2 and 3 more transcripts); c.1168G>A, p.Val390Ile (NM_001352903.2, NM_001352904.2, NM_001352905.2 and 2 more transcripts); c.1123G>A, p.Val375Ile (NM_001352909.2); short protein forms V375I, V390I, V391I.
Identifiers: ClinVar variation 1063725 (VCV001063725.5), dbSNP rs752293584, ClinGen allele CA8728505.